The following is an entry in ClinVar:

ClinVar aggregate classification (germline): Benign/Likely benign. Review status: criteria provided, multiple submitters, no conflicts (2 of 4 stars). 10 submissions from 9 submitters: Benign (5); Likely benign (1). 4 of the submissions do not count toward it. Last evaluated 2026-02-01.

Conditions:
Usher syndrome type 1 (USH1). Also called: RETINITIS PIGMENTOSA AND CONGENITAL DEAFNESS. Identifiers: Orphanet 231169, Orphanet 886, MedGen C1568247, MONDO:0010168, OMIM 276900.
Autosomal recessive nonsyndromic hearing loss 12. Also called: DEAFNESS, AUTOSOMAL RECESSIVE 12. Identifiers: Orphanet 90636, MedGen C1832394, MONDO:0011067, OMIM 601386.
Usher syndrome type 1D (USH1D). Also called: USHER SYNDROME, TYPE ID. Identifiers: Orphanet 231169, Orphanet 886, MedGen C1832845, MONDO:0010984, OMIM 601067.

Allele frequency attached by ClinVar (database versions not stated): gnomAD 0.00103 and 0.00177; TOPMed 0.00138; ESP Exome Variant Server 0.00162; gnomAD exomes 0.00287 and 0.00450; 1000 Genomes Project 0.00319; 1000 Genomes Project 30x 0.00344; ExAC 0.00490.
gnomAD v4.1: 4,487 of 1,614,058 alleles (0.28%); highest among the groups gnomAD compares: South Asian, 2.6%; 65 homozygotes.

Submissions (10):

Labcorp Genetics (formerly Invitae), Labcorp
Classification: Benign. Last evaluated: 2026-02-01. Review status: criteria provided, single submitter. Criteria: Invitae Variant Classification Sherloc (09022015). Collection method: clinical testing. Allele origin: germline.

Genome-Nilou Lab
Classification: Benign for Usher syndrome type 1D. Last evaluated: 2021-05-18. Review status: criteria provided, single submitter. Criteria: ACMG Guidelines, 2015. Collection method: clinical testing. Allele origin: germline. Affected: no.

GeneDx
Classification: Benign. Last evaluated: 2019-04-18. Review status: criteria provided, single submitter. Criteria: GeneDx Variant Classification Process June 2021. Collection method: clinical testing. Allele origin: germline. Affected: yes.
Comment: This variant is associated with the following publications: (PMID: 12075507, 24416283)

Illumina Laboratory Services, Illumina
Classification: Likely benign for Usher syndrome type 1D. Last evaluated: 2018-01-12. Review status: criteria provided, single submitter. Criteria: ICSL Variant Classification Criteria 13 December 2019. Collection method: clinical testing. Allele origin: germline.
Comment: This variant was observed in the ICSL laboratory as part of a predisposition screen in an ostensibly healthy population. It had not been previously curated by ICSL or reported in the Human Gene Mutation Database (HGMD: prior to June 1st, 2018), and was therefore a candidate for classification through an automated scoring system. Utilizing variant allele frequency, disease prevalence and penetrance estimates, and inheritance mode, an automated score was calculated to assess if this variant is too frequent to cause the disease. Based on the score and internal cut-off values, a variant classified as likely benign is not then subjected to further curation. The score for this variant resulted in a classification of likely benign for this disease.

Eurofins Ntd Llc (ga)
Classification: Benign. Last evaluated: 2015-09-26. Review status: criteria provided, single submitter. Criteria: EGL Classification Definitions 2015. Collection method: clinical testing. Allele origin: germline. Observed: 2 variant alleles, 2 heterozygotes.

Laboratory for Molecular Medicine, Mass General Brigham Personalized Medicine
Classification: Benign. Last evaluated: 2015-07-05. Review status: criteria provided, single submitter. Criteria: LMM Criteria. Collection method: clinical testing. Allele origin: germline. Observed: 16 variant alleles.
Comment: Val66Val in exon 4 of CDH23: This variant is not expected to have clinical signi ficance because it does not alter an amino acid residue, is not located near a s plice junction and has been identified in 2.5% (415/16512) of South Asian chromo somes by the Exome Aggregation Consortium (ExAC; dbSNP rs111033288).

Natera, Inc.
Classification: Benign for Usher syndrome type 1. Last evaluated: 2020-04-15. Review status: no assertion criteria provided. Collection method: clinical testing. Allele origin: germline. Not counted in ClinVar's aggregate classification.

Clinical Genetics DNA and cytogenetics Diagnostics Lab, Erasmus MC, Erasmus Medical Center
Classification: Benign. Review status: no assertion criteria provided. Collection method: clinical testing. Allele origin: germline. Affected: yes. Study: VKGL Data-share Consensus. Not counted in ClinVar's aggregate classification.

Clinical Genetics, Academic Medical Center
Classification: Benign. Review status: no assertion criteria provided. Collection method: clinical testing. Allele origin: germline. Affected: yes. Study: VKGL Data-share Consensus. Not counted in ClinVar's aggregate classification.

Illumina Laboratory Services, Illumina
Classification: Uncertain significance for Autosomal recessive nonsyndromic hearing loss 12. Last evaluated: 2018-01-12. Review status: flagged submission. Criteria: ICSL Variant Classification Criteria 13 December 2019. Collection method: clinical testing. Allele origin: germline. Not counted in ClinVar's aggregate classification.
ClinVar note: Notes: Unnecessary VUS claim for distinct condition when other interpretations are benign
ClinVar note: Reason: Other

NM_022124.6(CDH23):c.198G>A (p.Val66=)

Genes: CDH23 (cadherin related 23; plus strand), CDH23-AS1 (CDH23 antisense RNA 1; minus strand). Cytogenetic location: 10q22.1.
Variant type: single nucleotide variant.
Coding change: c.198G>A on transcript NM_022124.6 (MANE Select); coding-DNA position 198, G replaced by A.
Protein change: p.Val66=; no amino-acid change (valine 66 retained).
Molecular consequence: synonymous variant.
Genome position (GRCh38, 1-based): chr10:71,510,134, G>A. VCF-style: chr10-71510134-G-A. GRCh37 (hg19) VCF-style: chr10-73269891-G-A.
Other names: c.198G>A, p.Val66= (NM_001171930.2, NM_001171931.2, NM_001171932.2 and 1 more transcripts).
Identifiers: ClinVar variation 45885 (VCV000045885.28), dbSNP rs111033288, ClinGen allele CA137307.
Genomic context (GRCh38, chr10:71,510,134, plus strand): 5'-TACTCCAGGTTCTTCTGTGACCCAGTTGCTGGCCCAAGACATGGACAATGACCCCCTGGT[G>A]TTTGGCGTGTCTGGGGAGGAGGCCTCTCGCTTCTTTGCAGTGGAGCCTGACACTGGCGTG-3'
Protein context (NP_071407.4, residues 56-76): LAQDMDNDPL[Val66=]FGVSGEEASR